The following is an entry in ClinVar:

ClinVar aggregate classification (germline): Uncertain significance. Review status: criteria provided, multiple submitters, no conflicts (2 of 4 stars). 2 submissions from 2 submitters: Uncertain significance (2). Last evaluated 2025-11-11.

Conditions:
Brugada syndrome 6 (BRGDA6). Identifiers: Orphanet 130, MedGen C2751089, MONDO:0013145, OMIM 613119.
Cardiovascular phenotype. Identifiers: MedGen CN230736.

Allele frequency attached by ClinVar (database versions not stated): ExAC 0.00001; ESP Exome Variant Server 0.00008.

Submissions (2):

Labcorp Genetics (formerly Invitae), Labcorp
Classification: Uncertain significance for Brugada syndrome 6. Last evaluated: 2025-11-11. Review status: criteria provided, single submitter. Criteria: Invitae Variant Classification Sherloc (09022015). Collection method: clinical testing. Allele origin: germline.
Comment: This sequence change replaces arginine, which is basic and polar, with tryptophan, which is neutral and slightly polar, at codon 47 of the KCNE3 protein (p.Arg47Trp). This variant is present in population databases (rs17215444, gnomAD 0.007%). This variant has not been reported in the literature in individuals affected with KCNE3-related conditions. ClinVar contains an entry for this variant (Variation ID: 1771723). An algorithm developed to predict the effect of missense changes on protein structure and function (PolyPhen-2) suggests that this variant is likely to be tolerated. Algorithms developed to predict the effect of sequence changes on RNA splicing suggest that this variant may create or strengthen a splice site. In summary, the available evidence is currently insufficient to determine the role of this variant in disease. Therefore, it has been classified as a Variant of Uncertain Significance.

Ambry Genetics
Classification: Uncertain significance for Cardiovascular phenotype. Last evaluated: 2024-12-20. Review status: criteria provided, single submitter. Criteria: Ambry Variant Classification Scheme 2023. Collection method: clinical testing. Allele origin: germline.
Comment: The p.R47W variant (also known as c.139C>T), located in coding exon 1 of the KCNE3 gene, results from a C to T substitution at nucleotide position 139. The arginine at codon 47 is replaced by tryptophan, an amino acid with dissimilar properties. This amino acid position is not well conserved in available vertebrate species. In addition, the in silico prediction for this alteration is inconclusive. Since supporting evidence is limited at this time, the clinical significance of this alteration remains unclear.

Literature cited by the submitters: PubMed 21899751 (cited by Ambry Genetics).

NM_005472.5(KCNE3):c.139C>T (p.Arg47Trp)

Gene: KCNE3 (potassium voltage-gated channel subfamily E regulatory subunit 3; minus strand). Cytogenetic location: 11q13.4.
Variant type: single nucleotide variant.
Coding change: c.139C>T on transcript NM_005472.5 (MANE Select); coding-DNA position 139, C replaced by T.
Protein change: p.Arg47Trp; replaces arginine 47 with tryptophan.
Molecular consequence: missense variant.
Genome position (GRCh38, 1-based): chr11:74,457,425, G>A on the plus strand (C>T on the coding strand, the complement: KCNE3 is on the minus strand). VCF-style: chr11-74457425-G-A. GRCh37 (hg19) VCF-style: chr11-74168470-G-A.
Other names: short protein forms R47W.
Identifiers: ClinVar variation 1771723 (VCV001771723.6), dbSNP rs17215444, ClinGen allele CA6184848.